The following is an entry in ClinVar:

ClinVar aggregate classification (germline): Likely benign. Review status: criteria provided, multiple submitters, no conflicts (2 of 4 stars). 2 submissions from 2 submitters: Likely benign (2). Last evaluated 2025-10-13.

Conditions:
Arrhythmogenic right ventricular dysplasia 5. Also called: Arrhythmogenic Right Ventricular Dysplasia/Cardiomyopathy 5; ARRHYTHMOGENIC RIGHT VENTRICULAR DYSPLASIA, FAMILIAL, 5. Identifiers: MedGen C1858379, MONDO:0011459, OMIM 604400.

Allele frequency attached by ClinVar (database versions not stated): gnomAD exomes below 0.00001 and 0.00001; TOPMed below 0.00001; ExAC 0.00001; gnomAD 0.00001.
gnomAD v4.1: 11 of 1,608,700 alleles (0.00068%); highest among the groups gnomAD compares: Non-Finnish European, 0.00094%; no homozygotes.

Submissions (2):

Labcorp Genetics (formerly Invitae), Labcorp
Classification: Likely benign for Arrhythmogenic right ventricular dysplasia 5. Last evaluated: 2025-10-13. Review status: criteria provided, single submitter. Criteria: Invitae Variant Classification Sherloc (09022015). Collection method: clinical testing. Allele origin: germline.

GeneDx
Classification: Likely benign. Last evaluated: 2017-10-27. Review status: criteria provided, single submitter. Criteria: GeneDx Variant Classification (06012015). Collection method: clinical testing. Allele origin: germline. Affected: yes.
Comment: This variant is considered likely benign or benign based on one or more of the following criteria: it is a conservative change, it occurs at a poorly conserved position in the protein, it is predicted to be benign by multiple in silico algorithms, and/or has population frequency not consistent with disease.

NM_024334.3(TMEM43):c.392+9T>C

Gene: TMEM43 (transmembrane protein 43; plus strand). Cytogenetic location: 3p25.1.
Variant type: single nucleotide variant.
Coding change: c.392+9T>C on transcript NM_024334.3 (MANE Select); 9 bases into the intron after coding-DNA position 392, T replaced by C.
Molecular consequence: intron variant.
Genome position (GRCh38, 1-based): chr3:14,131,683, T>C. VCF-style: chr3-14131683-T-C. GRCh37 (hg19) VCF-style: chr3-14173183-T-C.
Identifiers: ClinVar variation 512940 (VCV000512940.9), dbSNP rs780392028, ClinGen allele CA053262.
Genomic context (GRCh38, chr3:14,131,683, plus strand): 5'-AACTGCGGAGGCACGTGGAGATGTACCAATGGGTAGAAACTGAGGAGTCCAGGTGAGCTG[T>C]TGGGGTGAAAACTCTGTTGGGGTAAAGGAGGAGTGAAGTGTAGGTGTCAGGATAACATGC-3'